The following is an entry in ClinVar:

NM_002070.4(GNAI2):c.672C>T (p.Phe224=)

Gene: GNAI2 (G protein subunit alpha i2; plus strand). Cytogenetic location: 3p21.31.
Variant type: single nucleotide variant.
Coding change: c.672C>T on transcript NM_002070.4 (MANE Select); coding-DNA position 672, C replaced by T.
Protein change: p.Phe224=; no amino-acid change (phenylalanine 224 retained).
Molecular consequence: synonymous variant.
Genome position (GRCh38, 1-based): chr3:50,256,801, C>T. VCF-style: chr3-50256801-C-T. GRCh37 (hg19) VCF-style: chr3-50294233-C-T.
Other names: c.561C>T, p.Phe187= (NM_001166425.2); c.516C>T, p.Phe172= (NM_001282617.2); c.429C>T, p.Phe143= (NM_001282618.2); c.624C>T, p.Phe208= (NM_001282619.2, NM_001282620.2).
Identifiers: ClinVar variation 4821208 (VCV004821208.4).

ClinVar aggregate classification (germline): Likely benign (1 of 4 stars; one submission).

Submission:

CeGaT Center for Human Genetics Tuebingen
Classification: Likely benign. Last evaluated: 2026-02-01. Review status: criteria provided, single submitter. Criteria: CeGaT Center For Human Genetics Tuebingen Variant Classification Criteria Version 2. Collection method: clinical testing. Allele origin: germline. Affected: yes. Observed: 1 variant allele.
Comment: GNAI2: BP4